The following is an entry in ClinVar:

ClinVar aggregate classification (germline): Pathogenic/Likely pathogenic. Review status: criteria provided, multiple submitters, no conflicts (2 of 4 stars). 3 submissions from 3 submitters: Pathogenic (2); Likely pathogenic (1). Last evaluated 2025-09-15.

Conditions:
Holocarboxylase synthetase deficiency. Also called: MULTIPLE CARBOXYLASE DEFICIENCY, EARLY ONSET. Identifiers: Orphanet 79242, MedGen C0268581, MONDO:0009666, OMIM 253270.

Allele frequency attached by ClinVar (database versions not stated): ExAC 0.00001; gnomAD exomes 0.00001.

Submissions (3):

Victorian Clinical Genetics Services, Murdoch Childrens Research Institute
Classification: Pathogenic for Holocarboxylase synthetase deficiency. Last evaluated: 2025-09-15. Review status: criteria provided, single submitter. Criteria: ACMG Guidelines, 2015. Collection method: clinical testing. Allele origin: germline. Affected: yes.
Comment: This variant is classified as Pathogenic. Evidence in support of pathogenic classification: Variant is predicted to cause nonsense-mediated decay (NMD) and loss of protein (premature termination codon is located at least 54 nucleotides upstream of the final exon-exon junction); Variant is present in gnomAD <0.01 for a recessive condition (v4: 12 heterozygote(s), 0 homozygote(s)); This variant has moderate previous evidence of pathogenicity in unrelated individuals. This variant has been classified as likely pathogenic or pathogenic by clinical laboratories in ClinVar; Other NMD-predicted variant(s) comparable to the one identified in this case have very strong previous evidence for pathogenicity (DECIPHER). Additional information: This variant is heterozygous; This gene is associated with autosomal recessive disease; No published evidence of segregation with disease has been identified for this variant; No published functional evidence has been identified for this variant; Loss of function is a known mechanism of disease in this gene and is associated with holocarboxylase synthetase deficiency (MIM#253270).

GeneDx
Classification: Likely pathogenic. Last evaluated: 2024-02-12. Review status: criteria provided, single submitter. Criteria: GeneDx Variant Classification Process June 2021. Collection method: clinical testing. Allele origin: germline. Affected: yes.
Comment: Frameshift variant predicted to result in protein truncation or nonsense mediated decay in a gene for which loss-of-function is a known mechanism of disease; Not observed at significant frequency in large population cohorts (gnomAD); Has not been previously published as pathogenic or benign to our knowledge

Labcorp Genetics (formerly Invitae), Labcorp
Classification: Pathogenic for Holocarboxylase synthetase deficiency. Last evaluated: 2023-09-13. Review status: criteria provided, single submitter. Criteria: Invitae Variant Classification Sherloc (09022015). Collection method: clinical testing. Allele origin: germline.
Comment: ClinVar contains an entry for this variant (Variation ID: 2140758). This variant has not been reported in the literature in individuals affected with HLCS-related conditions. This variant is present in population databases (rs751956557, gnomAD 0.004%). This sequence change creates a premature translational stop signal (p.His406Argfs*15) in the HLCS gene. It is expected to result in an absent or disrupted protein product. Loss-of-function variants in HLCS are known to be pathogenic (PMID: 16134170). For these reasons, this variant has been classified as Pathogenic.

Literature cited by the submitters: PubMed 16134170 (cited by Labcorp Genetics (formerly Invitae), Labcorp).

NM_001352514.2(HLCS):c.1658_1659del (p.His553fs)

Gene: HLCS (holocarboxylase synthetase; minus strand). Cytogenetic location: 21q22.13.
Variant type: Deletion.
Coding change: c.1658_1659del on transcript NM_001352514.2 (MANE Select); coding-DNA positions 1658 to 1659, 2 bases deleted (AT; older notation c.1658_1659delAT).
Protein change: p.His553fs; shifts the reading frame from histidine 553.
Molecular consequence: frameshift variant. On other transcripts: non-coding transcript variant (2).
Genome position (GRCh38, 1-based): chr21:36,897,093-36,897,094, AT deleted on the plus strand (AT on the coding strand, the reverse complement: HLCS is on the minus strand). VCF-style (leftmost placement, unchanged base first): chr21-36897092-CAT-C. GRCh37 (hg19) VCF-style: chr21-38269392-CAT-C.
Other names: c.1217_1218del (NM_000411.6); c.1217_1218del, p.His406fs (NM_000411.8, NM_001242784.3, NM_001242785.2 and 4 more transcripts); short protein forms H406fs, H553fs.
Identifiers: ClinVar variation 2140758 (VCV002140758.10), dbSNP rs751956557, ClinGen allele CA10020494.